The following is an entry in ClinVar:

ClinVar aggregate classification (germline): Uncertain significance. Review status: criteria provided, multiple submitters, no conflicts (2 of 4 stars). 2 submissions from 2 submitters: Uncertain significance (2). Last evaluated 2026-02-25.

Conditions:
Ataxia-telangiectasia syndrome (AT). Also called: Ataxia telangiectasia (A-T); Cerebello-oculocutaneous telangiectasia; Immunodeficiency with ataxia telangiectasia; Ataxia-telangiectasia, complementation group D; ATAXIA-TELANGIECTASIA, COMPLEMENTATION GROUP A; ATAXIA-TELANGIECTASIA, FRESNO VARIANT. Identifiers: Orphanet 100, MedGen C0004135, MONDO:0008840, OMIM 208900.
Hereditary cancer-predisposing syndrome. Also called: Neoplastic Syndromes, Hereditary; Hereditary neoplastic syndrome; Tumor predisposition; Hereditary Cancer Syndrome. Identifiers: Orphanet 140162, MedGen C0027672, MeSH D009386, MONDO:0015356.

Submissions (2):

Ambry Genetics
Classification: Uncertain significance for Hereditary cancer-predisposing syndrome. Last evaluated: 2026-02-25. Review status: criteria provided, single submitter. Criteria: Ambry Variant Classification Scheme 2023. Collection method: clinical testing. Allele origin: germline.
Comment: The p.R329G variant (also known as c.985A>G), located in coding exon 7 of the ATM gene, results from an A to G substitution at nucleotide position 985. The arginine at codon 329 is replaced by glycine, an amino acid with dissimilar properties. This amino acid position is highly conserved in available vertebrate species. In addition, this alteration is predicted to be deleterious by in silico analysis. Based on the available evidence, the clinical significance of this variant remains unclear.

Labcorp Genetics (formerly Invitae), Labcorp
Classification: Uncertain significance for Ataxia-telangiectasia syndrome. Last evaluated: 2023-11-28. Review status: criteria provided, single submitter. Criteria: Invitae Variant Classification Sherloc (09022015). Collection method: clinical testing. Allele origin: germline.
Comment: This sequence change replaces arginine, which is basic and polar, with glycine, which is neutral and non-polar, at codon 329 of the ATM protein (p.Arg329Gly). This variant is not present in population databases (gnomAD no frequency). This variant has not been reported in the literature in individuals affected with ATM-related conditions. ClinVar contains an entry for this variant (Variation ID: 648344). An algorithm developed to predict the effect of missense changes on protein structure and function (PolyPhen-2) suggests that this variant is likely to be disruptive. In summary, the available evidence is currently insufficient to determine the role of this variant in disease. Therefore, it has been classified as a Variant of Uncertain Significance.

NM_000051.4(ATM):c.985A>G (p.Arg329Gly)

Gene: ATM (ATM serine/threonine kinase; plus strand). Cytogenetic location: 11q22.3.
Variant type: single nucleotide variant.
Coding change: c.985A>G on transcript NM_000051.4 (MANE Select); coding-DNA position 985, A replaced by G.
Protein change: p.Arg329Gly; replaces arginine 329 with glycine.
Molecular consequence: missense variant.
Genome position (GRCh38, 1-based): chr11:108,247,047, A>G. VCF-style: chr11-108247047-A-G. GRCh37 (hg19) VCF-style: chr11-108117774-A-G.
Other names: c.985A>G, p.Arg329Gly (NM_001351834.2); short protein forms R329G.
Identifiers: ClinVar variation 648344 (VCV000648344.9), dbSNP rs1591510933, ClinGen allele CA382531200.